The following is an entry in ClinVar:

ClinVar aggregate classification (germline): Likely benign (1 of 4 stars; one submission).

gnomAD v4.1: 8 of 1,020,976 alleles (0.00078%); highest among the groups gnomAD compares: Admixed American, 0.006%; no homozygotes.

Submission:

CeGaT Center for Human Genetics Tuebingen
Classification: Likely benign. Last evaluated: 2026-06-01. Review status: criteria provided, single submitter. Criteria: CeGaT Center For Human Genetics Tuebingen Variant Classification Criteria Version 2. Collection method: clinical testing. Allele origin: germline. Affected: yes. Observed: 1 variant allele.
Comment: TAF4: BP4, BP7

NM_003185.4(TAF4):c.189G>C (p.Val63=)

Gene: TAF4 (TATA-box binding protein associated factor 4; minus strand). Cytogenetic location: 20q13.33.
Variant type: single nucleotide variant.
Coding change: c.189G>C on transcript NM_003185.4 (MANE Select); coding-DNA position 189, G replaced by C.
Protein change: p.Val63=; no amino-acid change (valine 63 retained).
Molecular consequence: synonymous variant.
Genome position (GRCh38, 1-based): chr20:62,065,622, C>G on the plus strand (G>C on the coding strand, the complement: TAF4 is on the minus strand). VCF-style: chr20-62065622-C-G. GRCh37 (hg19) VCF-style: chr20-60640678-C-G.
Identifiers: ClinVar variation 4872936 (VCV004872936.2).